The following is an entry in ClinVar:

ClinVar aggregate classification (germline): Uncertain significance. Review status: criteria provided, single submitter (1 of 4 stars). 2 submissions from 2 submitters: Uncertain significance (1). 1 of the submissions does not count toward it. Last evaluated 2025-04-04.

Conditions:
Inborn genetic diseases. Identifiers: MedGen C0950123, MeSH D030342.
TBC1D20-related disorder. Also called: TBC1D20-related condition.

Allele frequency attached by ClinVar (database versions not stated): TOPMed 0.00007; gnomAD exomes 0.00008; ESP Exome Variant Server 0.00008; gnomAD 0.00004; ExAC 0.00007.
gnomAD v4.1: 118 of 1,614,034 alleles (0.0073%); highest among the groups gnomAD compares: Admixed American, 0.012%; no homozygotes.

Submissions (2):

Ambry Genetics
Classification: Uncertain significance for Inborn genetic diseases. Last evaluated: 2025-04-04. Review status: criteria provided, single submitter. Criteria: Ambry Variant Classification Scheme 2023. Collection method: clinical testing. Allele origin: germline.

PreventionGenetics, part of Exact Sciences
Classification: Uncertain significance for TBC1D20-related condition. Last evaluated: 2024-02-12. Review status: no assertion criteria provided. Collection method: clinical testing. Allele origin: germline. Not counted in ClinVar's aggregate classification.
Comment: The TBC1D20 c.125G>A variant is predicted to result in the amino acid substitution p.Ser42Asn. To our knowledge, this variant has not been reported in the literature. This variant is reported in 0.0085% of alleles in individuals of Latino descent in gnomAD. At this time, the clinical significance of this variant is uncertain due to the absence of conclusive functional and genetic evidence.

NM_144628.4(TBC1D20):c.125G>A (p.Ser42Asn)

Gene: TBC1D20 (TBC1 domain family member 20; minus strand). Cytogenetic location: 20p13.
Variant type: single nucleotide variant.
Coding change: c.125G>A on transcript NM_144628.4 (MANE Select); coding-DNA position 125, G replaced by A.
Protein change: p.Ser42Asn; replaces serine 42 with asparagine.
Molecular consequence: missense variant. On other transcripts: non-coding transcript variant (1).
Genome position (GRCh38, 1-based): chr20:448,020, C>T on the plus strand (G>A on the coding strand, the complement: TBC1D20 is on the minus strand). VCF-style: chr20-448020-C-T. GRCh37 (hg19) VCF-style: chr20-428664-C-T.
Other names: c.125G>A (NM_144628.3); short protein forms S42N.
Identifiers: ClinVar variation 2342664 (VCV002342664.5), dbSNP rs370061451, ClinGen allele CA9723712.